The following is an entry in ClinVar:

ClinVar aggregate classification (germline): Conflicting classifications of pathogenicity. Review status: criteria provided, conflicting classifications (1 of 4 stars). 2 submissions from 2 submitters: Uncertain significance (1); Likely benign (1). Last evaluated 2023-08-08.

Conditions:
Catecholaminergic polymorphic ventricular tachycardia (CVPT). Also called: Catecholamine-induced polymorphic ventricular tachycardia. Identifiers: Orphanet 3286, MedGen C5574922, MONDO:0017990.
Catecholaminergic polymorphic ventricular tachycardia 1. Also called: VENTRICULAR TACHYCARDIA, STRESS-INDUCED POLYMORPHIC 1; VENTRICULAR TACHYCARDIA, CATECHOLAMINERGIC POLYMORPHIC, 1, WITH OR WITHOUT ATRIAL DYSFUNCTION AND/OR DILATED CARDIOMYOPATHY; RYR2-Related Catecholaminergic Polymorphic Ventricular Tachycardia. Identifiers: Orphanet 3286, MedGen C1631597, MONDO:0011484, OMIM 604772.

Submissions (2):

All of Us Research Program, National Institutes of Health
Classification: Uncertain significance for Catecholaminergic polymorphic ventricular tachycardia. Last evaluated: 2023-08-08. Review status: criteria provided, single submitter. Criteria: ACMG Guidelines, 2015. Collection method: clinical testing. Allele origin: germline. Inheritance: Autosomal dominant inheritance. Observed: 1 variant allele, 1 heterozygote.
Comment: This variant is located in the RYR2 protein. To our knowledge, functional studies have not been reported for this variant. This variant has not been reported in individuals affected with RYR2-related disorders in the literature. This variant has not been identified in the general population by the Genome Aggregation Database (gnomAD). The available evidence is insufficient to determine the role of this variant in disease conclusively. Therefore, this variant is classified as a Variant of Uncertain Significance.

This study involves interpretation of variants in research participants for the purpose of population health screening. Participant phenotype was not available at the time of variant classification. Additional details can be found in publication PMID: 35346344, PMCID: PMC8962531

Labcorp Genetics (formerly Invitae), Labcorp
Classification: Likely benign for Catecholaminergic polymorphic ventricular tachycardia 1. Last evaluated: 2023-06-27. Review status: criteria provided, single submitter. Criteria: Invitae Variant Classification Sherloc (09022015). Collection method: clinical testing. Allele origin: germline.

NM_001035.3(RYR2):c.10686A>G (p.Glu3562=)

Gene: RYR2 (ryanodine receptor 2; plus strand). Cytogenetic location: 1q43.
Variant type: single nucleotide variant.
Coding change: c.10686A>G on transcript NM_001035.3 (MANE Select); coding-DNA position 10686, A replaced by G.
Protein change: p.Glu3562=; no amino-acid change (glutamic acid 3562 retained).
Molecular consequence: synonymous variant.
Genome position (GRCh38, 1-based): chr1:237,723,259, A>G. VCF-style: chr1-237723259-A-G. GRCh37 (hg19) VCF-style: chr1-237886559-A-G.
Other names: c.10686A>G, p.Glu3562= (LRG_402t1).
Identifiers: ClinVar variation 463541 (VCV000463541.11), dbSNP rs1553300632, ClinGen allele CA423820473.